The following is an entry in ClinVar:

ClinVar aggregate classification (germline): Uncertain significance. Review status: criteria provided, multiple submitters, no conflicts (2 of 4 stars). 3 submissions from 2 submitters: Uncertain significance (3). Last evaluated 2021-11-20.

Conditions:
Usher syndrome type 2D. Also called: USHER SYNDROME, TYPE IID. Identifiers: Orphanet 231178, Orphanet 886, MedGen C1568249, MONDO:0012662, OMIM 611383.
Autosomal recessive nonsyndromic hearing loss 31. Also called: WHIRLER, MOUSE, HOMOLOG OF. Identifiers: Orphanet 90636, MedGen C1846839, MONDO:0011767, OMIM 607084.

Allele frequency attached by ClinVar (database versions not stated): gnomAD exomes 0.00004 and 0.00008; ExAC 0.00006; TOPMed 0.00006; gnomAD 0.00009 and 0.00010.
gnomAD v4.1: 75 of 1,613,914 alleles (0.0046%); highest among the groups gnomAD compares: South Asian, 0.054%; no homozygotes.

Submissions (3):

Labcorp Genetics (formerly Invitae), Labcorp
Classification: Uncertain significance. Last evaluated: 2021-11-20. Review status: criteria provided, single submitter. Criteria: Invitae Variant Classification Sherloc (09022015). Collection method: clinical testing. Allele origin: germline.
Comment: This variant has not been reported in the literature in individuals affected with WHRN-related conditions. ClinVar contains an entry for this variant (Variation ID: 976569). Algorithms developed to predict the effect of missense changes on protein structure and function are either unavailable or do not agree on the potential impact of this missense change (SIFT: "Tolerated"; PolyPhen-2: "Probably Damaging"; Align-GVGD: "Class C0"). In summary, the available evidence is currently insufficient to determine the role of this variant in disease. Therefore, it has been classified as a Variant of Uncertain Significance. This variant is present in population databases (rs781583583, gnomAD 0.05%). This sequence change replaces aspartic acid, which is acidic and polar, with alanine, which is neutral and non-polar, at codon 897 of the WHRN protein (p.Asp897Ala).

Illumina Laboratory Services, Illumina
Classification: Uncertain significance for Autosomal recessive nonsyndromic hearing loss 31. Last evaluated: 2018-01-13. Review status: criteria provided, single submitter. Criteria: ICSL Variant Classification Criteria 13 December 2019. Collection method: clinical testing. Allele origin: germline.

Illumina Laboratory Services, Illumina
Classification: Uncertain significance for Usher syndrome type 2D. Last evaluated: 2018-01-13. Review status: criteria provided, single submitter. Criteria: ICSL Variant Classification Criteria 13 December 2019. Collection method: clinical testing. Allele origin: germline.

NM_015404.4(WHRN):c.2690A>C (p.Asp897Ala)

Gene: WHRN (whirlin; minus strand). Cytogenetic location: 9q32.
Variant type: single nucleotide variant.
Coding change: c.2690A>C on transcript NM_015404.4 (MANE Select); coding-DNA position 2690, A replaced by C.
Protein change: p.Asp897Ala; replaces aspartic acid 897 with alanine.
Molecular consequence: missense variant.
Genome position (GRCh38, 1-based): chr9:114,402,788, T>G on the plus strand (A>C on the coding strand, the complement: WHRN is on the minus strand). VCF-style: chr9-114402788-T-G. GRCh37 (hg19) VCF-style: chr9-117165068-T-G.
Other names: c.1541A>C, p.Asp514Ala (NM_001083885.3); c.2687A>C, p.Asp896Ala (NM_001173425.2); c.1637A>C, p.Asp546Ala (NM_001346890.1); short protein forms D514A, D896A, D897A, D546A.
Identifiers: ClinVar variation 976569 (VCV000976569.8), dbSNP rs781583583, ClinGen allele CA5205551.